The following is an entry in ClinVar:

NM_020964.3(EPG5):c.3002C>T (p.Thr1001Ile)

Gene: EPG5 (ectopic P-granules 5 autophagy tethering factor; minus strand). Cytogenetic location: 18q21.1.
Variant type: single nucleotide variant.
Coding change: c.3002C>T on transcript NM_020964.3 (MANE Select); coding-DNA position 3002, C replaced by T.
Protein change: p.Thr1001Ile; replaces threonine 1001 with isoleucine.
Molecular consequence: missense variant.
Genome position (GRCh38, 1-based): chr18:45,922,437, G>A on the plus strand (C>T on the coding strand, the complement: EPG5 is on the minus strand). VCF-style: chr18-45922437-G-A. GRCh37 (hg19) VCF-style: chr18-43502403-G-A.
Other names: short protein forms T1001I.
Identifiers: ClinVar variation 855640 (VCV000855640.9), dbSNP rs369506924, ClinGen allele CA8949286.
Genomic context (GRCh38, chr18:45,922,437, plus strand): 5'-CAGCCAATGGGCATGCCCGCTTTCACAGCCTTCAAGAGAGGATGAAACGTGGGTGACTCT[G>A]TCATGTCAGGCACAGTGACGGAGAAGGGAACAGCTGGACAATTCGGCTGTATTCCATAAT-3'
Protein context (NP_066015.2, residues 991-1011): VPFSVTVPDM[Thr1001Ile]ESPTFHPLLK

ClinVar aggregate classification (germline): Uncertain significance. Review status: criteria provided, multiple submitters, no conflicts (2 of 4 stars). 2 submissions from 2 submitters: Uncertain significance (2). Last evaluated 2025-07-08.

Conditions:
Vici syndrome (VICIS). Identifiers: Orphanet 1493, MedGen C1855772, MONDO:0009452, OMIM 242840.
Inborn genetic diseases. Identifiers: MedGen C0950123, MeSH D030342.

Allele frequency attached by ClinVar (database versions not stated): gnomAD 0.00006; TOPMed 0.00006; ESP Exome Variant Server 0.00016.
gnomAD v4.1: 73 of 1,614,120 alleles (0.0045%); highest among the groups gnomAD compares: Non-Finnish European, 0.0058%; no homozygotes.

Submissions (2):

Ambry Genetics
Classification: Uncertain significance for Inborn genetic diseases. Last evaluated: 2025-07-08. Review status: criteria provided, single submitter. Criteria: Ambry Variant Classification Scheme 2023. Collection method: clinical testing. Allele origin: germline.

Labcorp Genetics (formerly Invitae), Labcorp
Classification: Uncertain significance for Vici syndrome. Last evaluated: 2022-06-24. Review status: criteria provided, single submitter. Criteria: Invitae Variant Classification Sherloc (09022015). Collection method: clinical testing. Allele origin: germline.
Comment: This sequence change replaces threonine, which is neutral and polar, with isoleucine, which is neutral and non-polar, at codon 1001 of the EPG5 protein (p.Thr1001Ile). This variant is present in population databases (rs369506924, gnomAD 0.007%). This variant has not been reported in the literature in individuals affected with EPG5-related conditions. ClinVar contains an entry for this variant (Variation ID: 855640). Algorithms developed to predict the effect of missense changes on protein structure and function are either unavailable or do not agree on the potential impact of this missense change (SIFT: "Deleterious"; PolyPhen-2: "Benign"; Align-GVGD: "Class C0"). In summary, the available evidence is currently insufficient to determine the role of this variant in disease. Therefore, it has been classified as a Variant of Uncertain Significance.